The following is an entry in ClinVar:

ClinVar aggregate classification (germline): Pathogenic (1 of 4 stars; one submission).

Conditions:
Ehlers-Danlos syndrome due to tenascin-X deficiency (EDSCLL1). Also called: EDS DUE TO TNX DEFICIENCY; TNX DEFICIENCY; Ehlers-Danlos syndrome, classic-like, 1; EHLERS-DANLOS SYNDROME, CLASSIC-LIKE; TNXB-Related Classical-Like Ehlers-Danlos Syndrome. Identifiers: Orphanet 230839, MedGen C1848029, MONDO:0011670, OMIM 606408.

Submission:

Myriad Genetics, Inc.
Classification: Pathogenic for Ehlers-Danlos syndrome due to tenascin-X deficiency. Last evaluated: 2026-08-08. Review status: criteria provided, single submitter. Criteria: Myriad Autosomal Dominant, Autosomal Recessive and X-Linked Classification Criteria (2023). Collection method: clinical testing. Allele origin: unknown.
Comment: NM_019105.6(TNXB):c.879delG(R294Afs*15) is expected to be pathogenic in the context of classical-like Ehlers-Danlos syndrome, TNXB-related. This variant is predicted to lead to an abnormal or absent protein product due to the creation of a premature termination codon in TNXB, a gene where loss-of-function variants are known to be pathogenic. Please note: this variant was assessed in the context of healthy population screening.

NM_001365276.2(TNXB):c.879del (p.Arg294fs)

Gene: TNXB (tenascin XB; minus strand). Cytogenetic location: 6p21.33.
Variant type: Deletion.
Coding change: c.879del on transcript NM_001365276.2 (MANE Select); coding-DNA position 879, one base deleted (G; older notation c.879delG).
Protein change: p.Arg294fs; shifts the reading frame from arginine 294.
Molecular consequence: frameshift variant.
Genome position (GRCh38, 1-based): chr6:32,096,974, C deleted on the plus strand (G on the coding strand, the reverse complement: TNXB is on the minus strand); the first of 3 consecutive C bases (chr6:32,096,974-32,096,976); deleting any one gives the same sequence. VCF-style (leftmost placement, unchanged base first): chr6-32096973-GC-G. GRCh37 (hg19) VCF-style: chr6-32064750-GC-G.
Other names: c.879del, p.Arg294fs (NM_001428335.1, NM_019105.8); short protein forms R294fs.
Identifiers: ClinVar variation 5016221 (VCV005016221.1).